The following is an entry in ClinVar:

ClinVar aggregate classification (germline): Conflicting classifications of pathogenicity. Review status: criteria provided, conflicting classifications (1 of 4 stars). 5 submissions from 5 submitters: Uncertain significance (2); Likely benign (2). 1 of the submissions does not count toward it. Last evaluated 2024-05-23.

Conditions:
FANCC-related disorder. Also called: FANCC-related condition.
Hereditary cancer-predisposing syndrome. Also called: Hereditary neoplastic syndrome; Hereditary Cancer Syndrome; Neoplastic Syndromes, Hereditary; Tumor predisposition. Identifiers: Orphanet 140162, MedGen C0027672, MeSH D009386, MONDO:0015356.
Fanconi anemia (FA). Also called: Fanconi's anemia. Identifiers: Orphanet 84, MedGen C0015625, MeSH D005199, MONDO:0019391.

Allele frequency attached by ClinVar (database versions not stated): TOPMed 0.00001.
gnomAD v4.1: 2 of 1,614,166 alleles (0.00012%); highest among the groups gnomAD compares: Non-Finnish European, 0.00017%; no homozygotes.

Submissions (5):

Labcorp Genetics (formerly Invitae), Labcorp
Classification: Likely benign for Fanconi anemia. Last evaluated: 2024-05-23. Review status: criteria provided, single submitter. Criteria: Invitae Variant Classification Sherloc (09022015). Collection method: clinical testing. Allele origin: germline.

Quest Diagnostics Nichols Institute San Juan Capistrano
Classification: Uncertain significance. Last evaluated: 2024-05-14. Review status: criteria provided, single submitter. Criteria: Quest Diagnostics criteria. Collection method: clinical testing. Allele origin: unknown.
Comment: The FANCC c.1170C>G (p.Pro390=) synonymous variant has not been reported in individuals with FANCC-related conditions in the published literature. It also has not been reported in large, multi-ethnic general populations (Genome Aggregation Database). Analysis of this variant using software algorithms for the prediction of the effect of nucleotide changes on FANCC mRNA splicing yielded predictions that this variant may result in the gain of a cryptic splice site without affecting the natural splice sites. Based on the available information, we are unable to determine the clinical significance of this variant.

GeneDx
Classification: Uncertain significance. Last evaluated: 2023-10-24. Review status: criteria provided, single submitter. Criteria: GeneDx Variant Classification Process June 2021. Collection method: clinical testing. Allele origin: germline. Affected: yes.
Comment: Not observed at significant frequency in large population cohorts (gnomAD); In silico analysis supports that this variant does not alter splicing; Has not been previously published as pathogenic or benign to our knowledge

Ambry Genetics
Classification: Likely benign for Hereditary cancer-predisposing syndrome. Last evaluated: 2018-08-13. Review status: criteria provided, single submitter. Criteria: Ambry Variant Classification Scheme 2023. Collection method: clinical testing. Allele origin: germline.

PreventionGenetics, part of Exact Sciences
Classification: Likely benign for FANCC-related condition. Last evaluated: 2023-10-01. Review status: no assertion criteria provided. Collection method: clinical testing. Allele origin: germline. Not counted in ClinVar's aggregate classification.
Comment: This variant is classified as likely benign based on ACMG/AMP sequence variant interpretation guidelines (Richards et al. 2015 PMID: 25741868, with internal and published modifications).

NM_000136.3(FANCC):c.1170C>G (p.Pro390=)

Genes: FANCC (FA complementation group C; minus strand), AOPEP (aminopeptidase O (putative); plus strand). Cytogenetic location: 9q22.32.
Variant type: single nucleotide variant.
Coding change: c.1170C>G on transcript NM_000136.3 (MANE Select); coding-DNA position 1170, C replaced by G.
Protein change: p.Pro390=; no amino-acid change (proline 390 retained).
Molecular consequence: synonymous variant.
Genome position (GRCh38, 1-based): chr9:95,111,622, G>C on the plus strand (C>G on the coding strand, the complement: FANCC is on the minus strand). VCF-style: chr9-95111622-G-C. GRCh37 (hg19) VCF-style: chr9-97873904-G-C.
Other names: c.1170C>G, p.Pro390= (NM_001243743.2, NM_001243744.2).
Identifiers: ClinVar variation 237064 (VCV000237064.19), dbSNP rs878853668, ClinGen allele CA10582665.